The following is an entry in ClinVar:

ClinVar aggregate classification (germline): Uncertain significance. Review status: criteria provided, multiple submitters, no conflicts (2 of 4 stars). 2 submissions from 2 submitters: Uncertain significance (2). Last evaluated 2026-07-13.

Conditions:
Tuberous sclerosis 2 (TSC2). Identifiers: Orphanet 805, MedGen C1860707, MONDO:0013199, OMIM 613254.
Hereditary cancer-predisposing syndrome. Also called: Tumor predisposition; Hereditary neoplastic syndrome; Hereditary Cancer Syndrome; Neoplastic Syndromes, Hereditary. Identifiers: Orphanet 140162, MedGen C0027672, MeSH D009386, MONDO:0015356.

Submissions (2):

Ambry Genetics
Classification: Uncertain significance for Hereditary cancer-predisposing syndrome. Last evaluated: 2026-07-13. Review status: criteria provided, single submitter. Criteria: Ambry Variant Classification Scheme 2023. Collection method: clinical testing. Allele origin: germline.
Comment: The p.I1495V variant (also known as c.4483A>G), located in coding exon 33 of the TSC2 gene, results from an A to G substitution at nucleotide position 4483. The isoleucine at codon 1495 is replaced by valine, an amino acid with highly similar properties. This amino acid position is conserved. In addition, the in silico prediction for this alteration is inconclusive. Based on the available evidence, the clinical significance of this variant remains unclear.

Labcorp Genetics (formerly Invitae), Labcorp
Classification: Uncertain significance for Tuberous sclerosis 2. Last evaluated: 2025-11-09. Review status: criteria provided, single submitter. Criteria: Invitae Variant Classification Sherloc (09022015). Collection method: clinical testing. Allele origin: germline.
Comment: This sequence change replaces isoleucine, which is neutral and non-polar, with valine, which is neutral and non-polar, at codon 1495 of the TSC2 protein (p.Ile1495Val). This variant is not present in population databases (gnomAD no frequency). This variant has not been reported in the literature in individuals affected with TSC2-related conditions. ClinVar contains an entry for this variant (Variation ID: 3675913). Invitae Evidence Modeling of protein sequence and biophysical properties (such as structural, functional, and spatial information, amino acid conservation, physicochemical variation, residue mobility, and thermodynamic stability) indicates that this missense variant is not expected to disrupt TSC2 protein function with a negative predictive value of 95%. In summary, the available evidence is currently insufficient to determine the role of this variant in disease. Therefore, it has been classified as a Variant of Uncertain Significance.

NM_000548.5(TSC2):c.4483A>G (p.Ile1495Val)

Gene: TSC2 (TSC complex subunit 2; plus strand). Cytogenetic location: 16p13.3.
Variant type: single nucleotide variant.
Coding change: c.4483A>G on transcript NM_000548.5 (MANE Select); coding-DNA position 4483, A replaced by G.
Protein change: p.Ile1495Val; replaces isoleucine 1495 with valine.
Molecular consequence: missense variant. On other transcripts: non-coding transcript variant (5).
Genome position (GRCh38, 1-based): chr16:2,084,705, A>G. VCF-style: chr16-2084705-A-G. GRCh37 (hg19) VCF-style: chr16-2134706-A-G.
Other names: c.3814A>G, p.Ile1272Val (NM_001406683.1, NM_001406682.1); c.3811A>G, p.Ile1271Val (NM_001406684.1); c.3685A>G, p.Ile1229Val (NM_001406685.1, NM_001406686.1); c.3682A>G, p.Ile1228Val (NM_001406687.1, NM_001406688.1); c.3070A>G, p.Ile1024Val (NM_001406689.1); c.3010A>G, p.Ile1004Val (NM_001406690.1); c.3007A>G, p.Ile1003Val (NM_001406691.1); c.2941A>G, p.Ile981Val (NM_001406692.1, NM_001406693.1, NM_001406694.1); and 26 more; short protein forms I1379V, I1424V, I1452V, I1458V, I1471V, I981V, I1004V, I1251V.
Identifiers: ClinVar variation 3675913 (VCV003675913.3).